The following is an entry in ClinVar:

ClinVar aggregate classification (germline): Uncertain significance. Review status: criteria provided, single submitter (1 of 4 stars). 2 submissions from 2 submitters: Uncertain significance (1). 1 of the submissions does not count toward it. Last evaluated 2024-06-06.

Conditions:
Combined oxidative phosphorylation deficiency 28 (COXPD28). Identifiers: Orphanet 466784, MedGen C5569081, MONDO:0014775, OMIM 616794.

gnomAD v4.1: 96 of 1,504,144 alleles (0.0064%); highest among the groups gnomAD compares: Non-Finnish European, 0.0081%; no homozygotes.

Submissions (3):

Mayo Clinic Laboratories, Mayo Clinic
Classification: Uncertain significance. Last evaluated: 2024-06-06. Review status: criteria provided, single submitter. Criteria: ACMG Guidelines, 2015. Collection method: clinical testing. Allele origin: germline. Observed: 1 variant allele.

OMIM
Classification: Pathogenic for COMBINED OXIDATIVE PHOSPHORYLATION DEFICIENCY 28. Last evaluated: 2025-04-25. Review status: no assertion criteria provided. Collection method: literature only. Allele origin: germline. Not counted in ClinVar's aggregate classification.

Dr. Peter K. Rogan Lab, Western University
No classification provided (evidence only). Condition: Nonpapillary renal cell carcinoma. Review status: no classification provided. Collection method: in vitro. Allele origin: not applicable. Functional consequence: skipped exon. Not counted in ClinVar's aggregate classification.

Literature cited by the submitters: PubMed 35024855 (cited by Mayo Clinic Laboratories, Mayo Clinic and OMIM).

NM_001379210.1(SLC25A26):c.190+4A>G

Gene: SLC25A26 (solute carrier family 25 member 26; plus strand). Cytogenetic location: 3p14.1.
Variant type: single nucleotide variant.
Coding change: c.190+4A>G on transcript NM_001379210.1 (MANE Select); 4 bases into the intron after coding-DNA position 190, A replaced by G.
Molecular consequence: intron variant.
Genome position (GRCh38, 1-based): chr3:66,236,704, A>G. VCF-style: chr3-66236704-A-G. GRCh37 (hg19) VCF-style: chr3-66287128-A-G.
Other names: p.?; NC_000003.11:g.66287128A>G; IVS2, +4, A-G; c.190+4A>G (NM_173471.4, NM_001400705.1, NM_001400707.1); c.-75+4A>G (NM_001350993.1, NM_001400711.1); c.-74-6499A>G (NM_001164796.1, NM_001400709.1, NM_001400714.1).
Identifiers: ClinVar variation 3379473 (VCV003379473.4).